The following is an entry in ClinVar:

NM_002968.3(SALL1):c.1218del (p.Leu406fs)

Gene: SALL1 (spalt like transcription factor 1; minus strand). Cytogenetic location: 16q12.1.
Variant type: Deletion.
Coding change: c.1218del on transcript NM_002968.3 (MANE Select); coding-DNA position 1218, one base deleted (G; older notation c.1218delG).
Protein change: p.Leu406fs; shifts the reading frame from leucine 406.
Molecular consequence: frameshift variant.
Genome position (GRCh38, 1-based): chr16:51,141,004, C deleted on the plus strand (G on the coding strand, the reverse complement: SALL1 is on the minus strand). VCF-style (leftmost placement, unchanged base first): chr16-51141003-GC-G. GRCh37 (hg19) VCF-style: chr16-51174914-GC-G.
Other names: c.927del, p.Leu309fs (NM_001127892.2); short protein forms L309fs, L406fs.
Identifiers: ClinVar variation 4813452 (VCV004813452.1).

ClinVar aggregate classification (germline): Pathogenic (1 of 4 stars; one submission).

Conditions:
Townes-Brocks syndrome 1 (TBS1). Also called: DEAFNESS, SENSORINEURAL, WITH IMPERFORATE ANUS AND THUMB ANOMALIES; REAR SYNDROME; RENAL-EAR-ANAL-RADIAL SYNDROME; SALL1-Related Townes-Brocks Syndrome. Identifiers: Orphanet 857, MedGen C4551481, MONDO:0054581, OMIM 107480.

Submission:

MVZ Praenatalmedizin und Genetik Nuernberg
Classification: Pathogenic for Townes-Brocks syndrome 1. Last evaluated: 2025-11-11. Review status: criteria provided, single submitter. Criteria: ACMG Guidelines, 2015. Collection method: clinical testing. Allele origin: germline. Affected: yes.
Comment: This variant leads to a frameshift in exon 2 of 3 and a premature stop codon and is therefore considered pathogenic due to loss of function. Accordingly in ClinVar several downstream loss-of-function variants in this gene are also listed as likely pathogenic or pathogenic.